The following is an entry in ClinVar:

ClinVar aggregate classification (germline): Uncertain significance (1 of 4 stars; one submission).

Conditions:
Benign neonatal seizures. Also called: Benign familial neonatal epilepsy; Benign familial neonatal seizures; Benign neonatal familial convulsions; Convulsions benign familial neonatal dominant form; Autosomal dominant form of benign neonatal seizures. Identifiers: Orphanet 1949, MedGen C0220669, MONDO:0016027.

Allele frequency attached by ClinVar (database versions not stated): gnomAD exomes below 0.00001.
gnomAD v4.1: 2 of 1,614,166 alleles (0.00012%); highest among the groups gnomAD compares: Non-Finnish European, 0.00017%; no homozygotes.

Submission:

Labcorp Genetics (formerly Invitae), Labcorp
Classification: Uncertain significance for Benign neonatal seizures. Last evaluated: 2023-07-12. Review status: criteria provided, single submitter. Criteria: Invitae Variant Classification Sherloc (09022015). Collection method: clinical testing. Allele origin: germline.
Comment: This sequence change replaces methionine, which is neutral and non-polar, with valine, which is neutral and non-polar, at codon 200 of the KCNQ3 protein (p.Met200Val). This variant is present in population databases (no rsID available, gnomAD 0.0009%). This variant has not been reported in the literature in individuals affected with KCNQ3-related conditions. Advanced modeling of protein sequence and biophysical properties (such as structural, functional, and spatial information, amino acid conservation, physicochemical variation, residue mobility, and thermodynamic stability) performed at Invitae indicates that this missense variant is not expected to disrupt KCNQ3 protein function. In summary, the available evidence is currently insufficient to determine the role of this variant in disease. Therefore, it has been classified as a Variant of Uncertain Significance.

NM_004519.4(KCNQ3):c.598A>G (p.Met200Val)

Gene: KCNQ3 (potassium voltage-gated channel subfamily Q member 3; minus strand). Cytogenetic location: 8q24.22.
Variant type: single nucleotide variant.
Coding change: c.598A>G on transcript NM_004519.4 (MANE Select); coding-DNA position 598, A replaced by G.
Protein change: p.Met200Val; replaces methionine 200 with valine.
Molecular consequence: missense variant.
Genome position (GRCh38, 1-based): chr8:132,184,247, T>C on the plus strand (A>G on the coding strand, the complement: KCNQ3 is on the minus strand). VCF-style: chr8-132184247-T-C. GRCh37 (hg19) VCF-style: chr8-133196494-T-C.
Other names: c.238A>G, p.Met80Val (NM_001204824.2); short protein forms M80V, M200V.
Identifiers: ClinVar variation 2961454 (VCV002961454.3), dbSNP rs1433362780, ClinGen allele CA372291042.
Genomic context (GRCh38, chr8:132,184,247, plus strand): 5'-ATGCCCCAAAAGAAGGGAACTGAGGAGGCTGGGAGGCTCAGGGTCAGGACTTACCCAACA[T>C]GCACAGGGGCTTCCTGGCAAACTTCAGTCGGCCCCGCCAGCCTTTGTATCGGCAGCAACA-3'
Protein context (NP_004510.1, residues 190-210): RLKFARKPLC[Met200Val]LDIFVLIASV